The following is an entry in ClinVar:

ClinVar aggregate classification (germline): Likely pathogenic (1 of 4 stars; one submission).

Submission:

GeneDx
Classification: Likely pathogenic. Last evaluated: 2016-05-11. Review status: criteria provided, single submitter. Criteria: GeneDx Variant Classification (06012015). Collection method: clinical testing. Allele origin: germline. Affected: yes.
Comment: The C1032R variant has not been published as a pathogenic variant, nor has it been reported as a benign variant to our knowledge. The C1032R variant was not observed in approximately 6,500 individuals of European and African American ancestry in the NHLBI Exome Sequencing Project, indicating it is not a common benign variant in these populations. The C1032R variant occurs at a position that is conserved across species and is a non-conservative amino acid substitution, which is likely to impact secondary protein structure as these residues differ in polarity, charge, size and/or other properties. Moreover, in silico analysis predicts this variant is probably damaging to the protein structure/function. Furthermore, the C1032R variant affects a Cysteine residue within a calcium-binding EGF-like domain of the FBN1 gene, which may affect disulfide bonding and is predicted to alter the structure and function of the protein. Cysteine substitutions in the calcium-binding EGF-like domains represent the majority of pathogenic missense changes associated with Marfan syndrome (Collod-Beroud et al., 2003). Finally, a different nucleotide substitution in the same residue (C1032Y; c.3095G>A) has been reported in association with neonatal Marfan syndrome (Ng et al., 1999). Kirschner et al. (2011) performed functional studies demonstrating the C1032Y substitution of the Cysteine residue disrupts the disulfide-bond pattern and alters the protein, making it more susceptible to proteolytic degradation and unable to bind with heparin, a process necessary for microfibril assembly.Therefore, this variant is likely pathogenic

NM_000138.5(FBN1):c.3094T>C (p.Cys1032Arg)

Gene: FBN1 (fibrillin 1; minus strand). Cytogenetic location: 15q21.1.
Variant type: single nucleotide variant.
Coding change: c.3094T>C on transcript NM_000138.5 (MANE Select); coding-DNA position 3094, T replaced by C.
Protein change: p.Cys1032Arg; replaces cysteine 1032 with arginine.
Molecular consequence: missense variant.
Genome position (GRCh38, 1-based): chr15:48,488,482, A>G on the plus strand (T>C on the coding strand, the complement: FBN1 is on the minus strand). VCF-style: chr15-48488482-A-G. GRCh37 (hg19) VCF-style: chr15-48780679-A-G.
Other names: short protein forms C1032R.
Identifiers: ClinVar variation 432164 (VCV000432164.2), dbSNP rs1555398684, ClinGen allele CA392328259.